The following is an entry in ClinVar:

ClinVar aggregate classification (germline): Uncertain significance (1 of 4 stars; one submission).

Conditions:
Cardiovascular phenotype. Identifiers: MedGen CN230736.

Submission:

Ambry Genetics
Classification: Uncertain significance for Cardiovascular phenotype. Last evaluated: 2020-08-20. Review status: criteria provided, single submitter. Criteria: Ambry Variant Classification Scheme 2023. Collection method: clinical testing. Allele origin: germline.
Comment: The c.883_885delAAG variant (also known as p.K295del) is located in coding exon 8 of the MYH6 gene. This variant results from an in-frame AAG deletion at nucleotide positions 883 to 885. This results in the in-frame deletion of a lysine at codon 295. This amino acid position is highly conserved in available vertebrate species. In addition, this alteration is predicted to be deleterious by in silico analysis (Choi Y et al. PLoS ONE. 2012; 7(10):e46688). Since supporting evidence is limited at this time, the clinical significance of this alteration remains unclear.

NM_002471.4(MYH6):c.880AAG[1] (p.Lys295del)

Gene: MYH6 (myosin heavy chain 6; minus strand). Cytogenetic location: 14q11.2.
Variant type: Microsatellite.
Coding change: c.880AAG[1] on transcript NM_002471.4 (MANE Select); one copy of the 3-base unit AAG starting at c.880; the reference has two copies in a row; one copy, 3 bases deleted.
Protein change: p.Lys295del; deletes lysine 295.
Molecular consequence: inframe deletion. On other transcripts: inframe indel (2).
Genome position (GRCh38, 1-based): chr14:23,403,361-23,403,363, CTT deleted on the plus strand (AAG on the coding strand, the reverse complement: MYH6 is on the minus strand); deleting any 3 consecutive bases within chr14:23,403,361-23,403,366 gives the same sequence; the position shown is the placement nearest the transcript's 3' end. VCF-style (leftmost placement, unchanged base first): chr14-23403360-GCTT-G. GRCh37 (hg19) VCF-style: chr14-23872569-GCTT-G.
Other names: c.880_882AAG[1], p.Lys295del (NM_002471.3); c.883_885delAAG (NM_002471.3); short protein forms K295del.
Identifiers: ClinVar variation 1764817 (VCV001764817.2), dbSNP rs2502200771, ClinGen allele CA2580616561.